The following is an entry in ClinVar:

NM_014141.6(CNTNAP2):c.505G>A (p.Glu169Lys)

Gene: CNTNAP2 (contactin associated protein 2; plus strand). Cytogenetic location: 7q35.
Variant type: single nucleotide variant.
Coding change: c.505G>A on transcript NM_014141.6 (MANE Select); coding-DNA position 505, G replaced by A.
Protein change: p.Glu169Lys; replaces glutamic acid 169 with lysine.
Molecular consequence: missense variant.
Genome position (GRCh38, 1-based): chr7:147,044,009, G>A. VCF-style: chr7-147044009-G-A. GRCh37 (hg19) VCF-style: chr7-146741101-G-A.
Other names: short protein forms E169K.
Identifiers: ClinVar variation 1020147 (VCV001020147.9), dbSNP rs1799307714, ClinGen allele CA369923599.
Genomic context (GRCh38, chr7:147,044,009, plus strand): 5'-GAATTACAGCATCCGATTATTGCCCGCTATGTGCGCATAGTGCCTCTGGATTGGAATGGA[G>A]AAGGTCGCATTGGACTCAGAATTGAAGTTTATGGCTGTTCTTACTGTGAGTATCGTATTG-3'
Protein context (NP_054860.1, residues 159-179): VRIVPLDWNG[Glu169Lys]GRIGLRIEVY

ClinVar aggregate classification (germline): Uncertain significance (1 of 4 stars; one submission).

Conditions:
Cortical dysplasia-focal epilepsy syndrome (PTHSL1). Also called: Pitt-Hopkins-like syndrome 1. Identifiers: Orphanet 163681, Orphanet 221150, MedGen C2750246, MONDO:0012400, OMIM 610042.

Submission:

Labcorp Genetics (formerly Invitae), Labcorp
Classification: Uncertain significance for Cortical dysplasia-focal epilepsy syndrome. Last evaluated: 2020-07-13. Review status: criteria provided, single submitter. Criteria: Invitae Variant Classification Sherloc (09022015). Collection method: clinical testing. Allele origin: germline.
Comment: This variant has not been reported in the literature in individuals with CNTNAP2-related conditions. This sequence change replaces glutamic acid with lysine at codon 169 of the CNTNAP2 protein (p.Glu169Lys). The glutamic acid residue is moderately conserved and there is a small physicochemical difference between glutamic acid and lysine. This variant is not present in population databases (ExAC no frequency). Algorithms developed to predict the effect of missense changes on protein structure and function are either unavailable or do not agree on the potential impact of this missense change (SIFT: "Deleterious"; PolyPhen-2: "Benign"; Align-GVGD: "Class C0"). In summary, the available evidence is currently insufficient to determine the role of this variant in disease. Therefore, it has been classified as a Variant of Uncertain Significance.